The following is an entry in ClinVar:

NM_205836.3(FBXO38):c.3218A>T (p.Glu1073Val)

Gene: FBXO38 (F-box protein 38; plus strand). Cytogenetic location: 5q32.
Variant type: single nucleotide variant.
Coding change: c.3218A>T on transcript NM_205836.3 (MANE Select); coding-DNA position 3218, A replaced by T.
Protein change: p.Glu1073Val; replaces glutamic acid 1073 with valine.
Molecular consequence: missense variant.
Genome position (GRCh38, 1-based): chr5:148,440,471, A>T. VCF-style: chr5-148440471-A-T. GRCh37 (hg19) VCF-style: chr5-147820034-A-T.
Other names: c.2483A>T, p.Glu828Val (NM_001271723.2); c.2993A>T, p.Glu998Val (NM_030793.5); short protein forms E828V, E998V, E1073V.
Identifiers: ClinVar variation 654153 (VCV000654153.10), dbSNP rs1581313648, ClinGen allele CA361661110.

ClinVar aggregate classification (germline): Uncertain significance (1 of 4 stars; one submission).

Conditions:
Distal hereditary motor neuropathy type 2. Identifiers: Orphanet 139525, MedGen C3711384, MeSH C580044, MONDO:0015352.

Submission:

Labcorp Genetics (formerly Invitae), Labcorp
Classification: Uncertain significance for Distal hereditary motor neuropathy type 2. Last evaluated: 2022-07-19. Review status: criteria provided, single submitter. Criteria: Invitae Variant Classification Sherloc (09022015). Collection method: clinical testing. Allele origin: germline.
Comment: In summary, the available evidence is currently insufficient to determine the role of this variant in disease. Therefore, it has been classified as a Variant of Uncertain Significance. Algorithms developed to predict the effect of missense changes on protein structure and function are either unavailable or do not agree on the potential impact of this missense change (SIFT: "Deleterious"; PolyPhen-2: "Benign"; Align-GVGD: "Class C0"). ClinVar contains an entry for this variant (Variation ID: 654153). This variant has not been reported in the literature in individuals affected with FBXO38-related conditions. This variant is not present in population databases (gnomAD no frequency). This sequence change replaces glutamic acid, which is acidic and polar, with valine, which is neutral and non-polar, at codon 998 of the FBXO38 protein (p.Glu998Val).